The following is an entry in ClinVar:

ClinVar aggregate classification (germline): Conflicting classifications of pathogenicity. Review status: criteria provided, conflicting classifications (1 of 4 stars). 2 submissions from 2 submitters: Uncertain significance (1); Likely benign (1). Last evaluated 2025-06-07.

gnomAD v4.1: 122 of 1,209,552 alleles (0.01%); highest among the groups gnomAD compares: Non-Finnish European, 0.012%; no homozygotes.

Submissions (2):

Ambry Genetics
Classification: Uncertain significance. Last evaluated: 2025-06-07. Review status: criteria provided, single submitter. Criteria: Ambry Variant Classification Scheme 2023. Collection method: clinical testing. Allele origin: germline.

CeGaT Center for Human Genetics Tuebingen
Classification: Likely benign. Last evaluated: 2023-05-01. Review status: criteria provided, single submitter. Criteria: CeGaT Center For Human Genetics Tuebingen Variant Classification Criteria Version 2. Collection method: clinical testing. Allele origin: germline. Affected: yes. Observed: 1 variant allele.
Comment: PRICKLE3: PP3, BS2

NM_006150.5(PRICKLE3):c.533C>G (p.Pro178Arg)

Gene: PRICKLE3 (prickle planar cell polarity protein 3; minus strand). Cytogenetic location: Xp11.23.
Variant type: single nucleotide variant.
Coding change: c.533C>G on transcript NM_006150.5 (MANE Select); coding-DNA position 533, C replaced by G.
Protein change: p.Pro178Arg; replaces proline 178 with arginine.
Molecular consequence: missense variant.
Genome position (GRCh38, 1-based): chrX:49,179,282, G>C on the plus strand (C>G on the coding strand, the complement: PRICKLE3 is on the minus strand). VCF-style: chrX-49179282-G-C. GRCh37 (hg19) VCF-style: chrX-49035631-G-C.
Other names: c.329C>G, p.Pro110Arg (NM_001307979.2); short protein forms P110R, P178R.
Identifiers: ClinVar variation 2325476 (VCV002325476.26), dbSNP rs200135955, ClinGen allele CA10409577.